The following is an entry in ClinVar:

ClinVar aggregate classification (germline): Likely benign. Review status: criteria provided, multiple submitters, no conflicts (2 of 4 stars). 5 submissions from 5 submitters: Likely benign (4). 1 of the submissions does not count toward it. Last evaluated 2025-10-06.

Conditions:
SMAD3-related disorder. Also called: SMAD3-related condition.
Familial thoracic aortic aneurysm and aortic dissection (TAAD). Also called: Thoracic aortic aneurysms and dissections. Identifiers: Orphanet 91387, MedGen C4707243, MONDO:0019625.
Aneurysm-osteoarthritis syndrome. Also called: LOEYS-DIETZ SYNDROME WITH OSTEOARTHRITIS; SMAD3-Related Loeys-Dietz Syndrome; Loeys-Dietz syndrome, type 1C; ANEURYSMS-OSTEOARTHRITIS SYNDROME. Identifiers: Orphanet 284984, MedGen C3151087, MONDO:0013426, OMIM 613795.

Allele frequency attached by ClinVar (database versions not stated): ExAC 0.00001; gnomAD 0.00001; gnomAD exomes 0.00001 and 0.00005; TOPMed 0.00001; ESP Exome Variant Server 0.00008.
gnomAD v4.1: 72 of 1,613,998 alleles (0.0045%); highest among the groups gnomAD compares: Non-Finnish European, 0.006%; no homozygotes.

Submissions (5):

Labcorp Genetics (formerly Invitae), Labcorp
Classification: Likely benign for Familial thoracic aortic aneurysm and aortic dissection. Last evaluated: 2025-10-06. Review status: criteria provided, single submitter. Criteria: Invitae Variant Classification Sherloc (09022015). Collection method: clinical testing. Allele origin: germline.

Ambry Genetics
Classification: Likely benign for Familial thoracic aortic aneurysm and aortic dissection. Last evaluated: 2023-12-23. Review status: criteria provided, single submitter. Criteria: Ambry Variant Classification Scheme 2023. Collection method: clinical testing. Allele origin: germline.

All of Us Research Program, National Institutes of Health
Classification: Likely benign for Aneurysm-osteoarthritis syndrome. Last evaluated: 2023-07-22. Review status: criteria provided, single submitter. Criteria: ACMG Guidelines, 2015. Collection method: clinical testing. Allele origin: germline. Inheritance: Autosomal dominant inheritance. Observed: 2 variant alleles, 2 heterozygotes.
Comment: This study involves interpretation of variants in research participants for the purpose of population health screening. Participant phenotype was not available at the time of variant classification. Additional details can be found in publication PMID: 35346344, PMCID: PMC8962531

Color Diagnostics, LLC DBA Color Health
Classification: Likely benign for Familial thoracic aortic aneurysm and aortic dissection. Last evaluated: 2018-11-22. Review status: criteria provided, single submitter. Criteria: ACMG Guidelines, 2015. Collection method: clinical testing. Allele origin: germline.

PreventionGenetics, part of Exact Sciences
Classification: Likely benign for SMAD3-related condition. Last evaluated: 2023-04-04. Review status: no assertion criteria provided. Collection method: clinical testing. Allele origin: germline. Not counted in ClinVar's aggregate classification.
Comment: This variant is classified as likely benign based on ACMG/AMP sequence variant interpretation guidelines (Richards et al. 2015 PMID: 25741868, with internal and published modifications).

NM_005902.4(SMAD3):c.744C>T (p.Phe248=)

Gene: SMAD3 (SMAD family member 3; plus strand). Cytogenetic location: 15q22.33.
Variant type: single nucleotide variant.
Coding change: c.744C>T on transcript NM_005902.4 (MANE Select); coding-DNA position 744, C replaced by T.
Protein change: p.Phe248=; no amino-acid change (phenylalanine 248 retained).
Molecular consequence: synonymous variant.
Genome position (GRCh38, 1-based): chr15:67,181,326, C>T. VCF-style: chr15-67181326-C-T. GRCh37 (hg19) VCF-style: chr15-67473664-C-T.
Other names: c.429C>T, p.Phe143= (NM_001145102.2); c.612C>T, p.Phe204= (NM_001145103.2); c.159C>T, p.Phe53= (NM_001145104.2).
Identifiers: ClinVar variation 920400 (VCV000920400.10), dbSNP rs376023379, ClinGen allele CA062639.